The following is an entry in ClinVar:

ClinVar aggregate classification (germline): Likely pathogenic (1 of 4 stars; one submission).

Conditions:
Intellectual developmental disorder, autosomal recessive 18, with or without epilepsy. Also called: Intellectual disability, autosomal recessive 18. Identifiers: Orphanet 88616, MedGen C3280265, MONDO:0013651, OMIM 614249.

Submission:

Juno Genomics, Hangzhou Juno Genomics, Inc
Classification: Likely pathogenic for Intellectual developmental disorder, autosomal recessive 18, with or without epilepsy. Review status: criteria provided, single submitter. Criteria: ACMG Guidelines, 2015. Collection method: clinical testing. Allele origin: germline.
Comment: Absent from controls (or at extremely low frequency if recessive) in Genome Aggregation Database.;Null variant in a gene where loss of function (LOF) is a known mechanism of disease.

NM_004830.4(MED23):c.1497_1500del (p.Ile499fs)

Gene: MED23 (mediator complex subunit 23; minus strand). Cytogenetic location: 6q23.2.
Variant type: Deletion.
Coding change: c.1497_1500del on transcript NM_004830.4 (MANE Select); coding-DNA positions 1497 to 1500, 4 bases deleted (TTAT; older notation c.1497_1500delTTAT).
Protein change: p.Ile499fs; shifts the reading frame from isoleucine 499.
Molecular consequence: frameshift variant.
Genome position (GRCh38, 1-based): chr6:131,605,353-131,605,356, ATAA deleted on the plus strand (TTAT on the coding strand, the reverse complement: MED23 is on the minus strand); deleting any 4 consecutive bases within chr6:131,605,353-131,605,359 gives the same sequence; the c. name uses the placement nearest the transcript's 3' end. VCF-style (leftmost placement, unchanged base first): chr6-131605352-CATAA-C. GRCh37 (hg19) VCF-style: chr6-131926492-CATAA-C.
Other names: c.1497_1500del, p.Ile499fs (NM_001270521.2, NM_001270522.2, NM_001376519.1 and 3 more transcripts); c.1515_1518del, p.Ile505fs (NM_001376517.1, NM_015979.4); c.1443_1446del, p.Ile481fs (NM_001376518.1); c.1356_1359del, p.Ile452fs (NM_001376520.1); c.1242_1245del, p.Ile414fs (NM_001376523.1); short protein forms I414fs, I452fs, I481fs, I499fs, I505fs.
Identifiers: ClinVar variation 5018880 (VCV005018880.2).
Genomic context (GRCh38, chr6:131,605,352, plus strand): 5'-TAATAGATCCTGAAGCCATACAGTTTGTTCCAGGGAGAGGTATCCTCATAATTCCATTTC[CATAA>C]ATAGTTTCTACCAGAGCTCCCATGGGTAATGTAAAACATTCTGAATTTGTAGAGTATGCA-3'